The following is an entry in ClinVar:

NM_002335.4(LRP5):c.964G>A (p.Ala322Thr)

Gene: LRP5 (LDL receptor related protein 5; plus strand). Cytogenetic location: 11q13.2.
Variant type: single nucleotide variant.
Coding change: c.964G>A on transcript NM_002335.4 (MANE Select); coding-DNA position 964, G replaced by A.
Protein change: p.Ala322Thr; replaces alanine 322 with threonine.
Molecular consequence: missense variant. On other transcripts: 5 prime UTR variant (1).
Genome position (GRCh38, 1-based): chr11:68,365,651, G>A. VCF-style: chr11-68365651-G-A. GRCh37 (hg19) VCF-style: chr11-68133119-G-A.
Other names: c.-802G>A (NM_001291902.2); short protein forms A322T.
Identifiers: ClinVar variation 1525387 (VCV001525387.6), dbSNP rs773665226, ClinGen allele CA381611514.

ClinVar aggregate classification (germline): Uncertain significance (1 of 4 stars; one submission).

Allele frequency attached by ClinVar (database versions not stated): gnomAD 0.00001; TOPMed 0.00001.
gnomAD v4.1: 6 of 1,597,610 alleles (0.00038%); highest among the groups gnomAD compares: South Asian, 0.0011%; no homozygotes.

Submission:

Labcorp Genetics (formerly Invitae), Labcorp
Classification: Uncertain significance. Last evaluated: 2025-06-11. Review status: criteria provided, single submitter. Criteria: Invitae Variant Classification Sherloc (09022015). Collection method: clinical testing. Allele origin: germline.
Comment: This sequence change replaces alanine, which is neutral and non-polar, with threonine, which is neutral and polar, at codon 322 of the LRP5 protein (p.Ala322Thr). This variant is not present in population databases (gnomAD no frequency). This variant has not been reported in the literature in individuals affected with LRP5-related conditions. ClinVar contains an entry for this variant (Variation ID: 1525387). Invitae Evidence Modeling of protein sequence and biophysical properties (such as structural, functional, and spatial information, amino acid conservation, physicochemical variation, residue mobility, and thermodynamic stability) has been performed for this missense variant. However, the output from this modeling did not meet the statistical confidence thresholds required to predict the impact of this variant on LRP5 protein function. In summary, the available evidence is currently insufficient to determine the role of this variant in disease. Therefore, it has been classified as a Variant of Uncertain Significance.